The following is an entry in ClinVar:

ClinVar aggregate classification (germline): Conflicting classifications of pathogenicity. Review status: criteria provided, conflicting classifications (1 of 4 stars). 7 submissions from 7 submitters: Uncertain significance (6); Benign (1). Last evaluated 2025-12-08.

Conditions:
Ehlers-Danlos syndrome, classic type, 1 (EDSCL1). Also called: Ehlers-Danlos Syndrome, Classic Type, COL5A1-Related; EHLERS-DANLOS SYNDROME, GRAVIS TYPE; EHLERS-DANLOS SYNDROME, SEVERE CLASSIC TYPE; Ehlers-Danlos syndrome, type 1; EDS I. Identifiers: MedGen C0268335, MONDO:0019567, OMIM 130000.
Ehlers-Danlos syndrome, classic type (cEDS). Identifiers: Orphanet 287, MedGen C4225429, MONDO:0007522.
Familial thoracic aortic aneurysm and aortic dissection (TAAD). Also called: Thoracic aortic aneurysms and dissections. Identifiers: Orphanet 91387, MedGen C4707243, MONDO:0019625.

Allele frequency attached by ClinVar (database versions not stated): ExAC 0.00002; gnomAD 0.00006; TOPMed 0.00008.
gnomAD v4.1: 34 of 1,614,118 alleles (0.0021%); highest among the groups gnomAD compares: East Asian, 0.0045%; no homozygotes.

Submissions (7):

Ambry Genetics
Classification: Uncertain significance for Familial thoracic aortic aneurysm and aortic dissection. Last evaluated: 2025-12-08. Review status: criteria provided, single submitter. Criteria: Ambry Variant Classification Scheme 2023. Collection method: clinical testing. Allele origin: germline.
Comment: The p.T1631M variant (also known as c.4892C>T), located in coding exon 62 of the COL5A1 gene, results from a C to T substitution at nucleotide position 4892. The threonine at codon 1631 is replaced by methionine, an amino acid with similar properties. This variant was reported in individual(s) in a spontaneous coronary artery dissection cohort (Tarr I et al. Circ Genom Precis Med, 2022 Aug;15:e003527). This amino acid position is well conserved in available vertebrate species. In addition, the in silico prediction for this alteration is inconclusive. Based on the available evidence, the clinical significance of this variant remains unclear.

Women's Health and Genetics/Laboratory Corporation of America, LabCorp
Classification: Uncertain significance. Last evaluated: 2025-11-06. Review status: criteria provided, single submitter. Criteria: LabCorp Variant Classification Summary - May 2015. Collection method: clinical testing. Allele origin: germline.
Comment: Variant summary: COL5A1 c.4892C>T (p.Thr1631Met) results in a non-conservative amino acid change in the encoded protein sequence. Algorithms developed to predict the effect of missense changes on protein structure and function all suggest that this variant is likely to be disruptive. The variant allele was found at a frequency of 1.6e-05 in 249578 control chromosomes. The available data on variant occurrences in the general population are insufficient to allow any conclusion about variant significance. c.4892C>T has been observed in an individual with with spontaneous coronary artery dissection (Tarr_2022). This report does not provide unequivocal conclusions about association of the variant with COL5A1-related disorders. To our knowledge, no experimental evidence demonstrating an impact on protein function has been reported. The following publication has been ascertained in the context of this evaluation (PMID: 35583931). ClinVar contains an entry for this variant (Variation ID: 213061). Based on the evidence outlined above, the variant was classified as uncertain significance.

Labcorp Genetics (formerly Invitae), Labcorp
Classification: Benign for Ehlers-Danlos syndrome, classic type, 1. Last evaluated: 2025-08-18. Review status: criteria provided, single submitter. Criteria: Invitae Variant Classification Sherloc (09022015). Collection method: clinical testing. Allele origin: germline.

Molecular Genetics, Royal Melbourne Hospital
Classification: Uncertain significance for Ehlers-Danlos syndrome, classic type, 1. Last evaluated: 2023-03-30. Review status: criteria provided, single submitter. Criteria: ACMG Guidelines, 2015. Collection method: clinical testing. Allele origin: germline.
Comment: This sequence change is predicted to replace threonine with methionine at codon 1631 of the COL5A1 protein, p.(Thr1631Met). The threonine residue is highly conserved (100 vertebrates, UCSC), and is located in the fibrillar collagen C-terminal domain. There is a moderate physicochemical difference between threonine and methionine. The variant is present in a large population cohort at a frequency of 0.002% (rs764446683, 6/280,962 alleles, 0 homozygotes in gnomAD v2.1), and has not been reported in the relevant clinical literature. It has been reported as a variant of uncertain significance (ClinVar ID: 213061), and identified in an individual with aortic dilatation and an individual with a possible connective tissue disorder (Invitae personal communication, Royal Melbourne Hospital). Multiple lines of computational evidence predict a deleterious effect for the missense substitution (PP3; 4/5 algorithms). Based on the classification scheme RMH ACMG Guidelines v1.2.1, this variant is classified as a VARIANT OF UNCERTAIN SIGNIFICANCE. Following criteria are met: PP3.

ARUP Laboratories, Molecular Genetics and Genomics, ARUP Laboratories
Classification: Uncertain significance. Last evaluated: 2020-11-20. Review status: criteria provided, single submitter. Criteria: ARUP Molecular Germline Variant Investigation Process 2021. Collection method: clinical testing. Allele origin: germline.
Comment: The COL5A1 c.4892C>T; p.Thr1631Met variant (rs764446683), to our knowledge, is not reported in the medical literature but is reported in ClinVar (Variation ID: 213061). This variant is found on only six chromosomes (6/280962 alleles) in the Genome Aggregation Database. The threonine at codon 1631 is highly conserved, but computational analyses are uncertain whether this variant is neutral or deleterious (REVEL: 0.622). However, given the lack of clinical and functional data, the significance of the p.Thr1631Met variant is uncertain at this time.

Mendelics
Classification: Uncertain significance for Ehlers-Danlos syndrome, classic type, 1. Last evaluated: 2019-05-28. Review status: criteria provided, single submitter. Criteria: Mendelics Assertion Criteria 2017. Collection method: clinical testing. Allele origin: unknown.

GeneDx
Classification: Uncertain significance. Last evaluated: 2019-05-16. Review status: criteria provided, single submitter. Criteria: GeneDx Variant Classification Process June 2021. Collection method: clinical testing. Allele origin: germline. Affected: yes.
Comment: In silico analysis, which includes protein predictors and evolutionary conservation, supports a deleterious effect; Has not been previously published as pathogenic or benign to our knowledge

Literature cited by the submitters: PubMed 35583931 (cited by Ambry Genetics and Women's Health and Genetics/Laboratory Corporation of America, LabCorp).

NM_000093.5(COL5A1):c.4892C>T (p.Thr1631Met)

Genes: COL5A1 (collagen type V alpha 1 chain; plus strand), LOC101448202 (uncharacterized LOC101448202; minus strand). Cytogenetic location: 9q34.3.
Variant type: single nucleotide variant.
Coding change: c.4892C>T on transcript NM_000093.5 (MANE Select); coding-DNA position 4892, C replaced by T.
Protein change: p.Thr1631Met; replaces threonine 1631 with methionine.
Molecular consequence: missense variant.
Genome position (GRCh38, 1-based): chr9:134,824,793, C>T. VCF-style: chr9-134824793-C-T. GRCh37 (hg19) VCF-style: chr9-137716639-C-T.
Other names: p.T1631M:ACG>ATG; c.4892C>T, p.Thr1631Met (NM_001278074.1); short protein forms T1631M.
Identifiers: ClinVar variation 213061 (VCV000213061.23), dbSNP rs764446683, ClinGen allele CA322728.